The following is an entry in ClinVar:

ClinVar aggregate classification (germline): Uncertain significance (1 of 4 stars; one submission).

Conditions:
Inborn genetic diseases. Identifiers: MedGen C0950123, MeSH D030342.

gnomAD v4.1: 8 of 1,606,386 alleles (0.0005%); highest among the groups gnomAD compares: Non-Finnish European, 0.00068%; no homozygotes.

Submission:

Ambry Genetics
Classification: Uncertain significance for Inborn genetic diseases. Last evaluated: 2025-01-06. Review status: criteria provided, single submitter. Criteria: Ambry Variant Classification Scheme 2023. Collection method: clinical testing. Allele origin: germline.
Comment: The p.V149L variant (also known as c.445G>C), located in coding exon 4 of the ELANE gene, results from a G to C substitution at nucleotide position 445. The valine at codon 149 is replaced by leucine, an amino acid with highly similar properties. This amino acid position is conserved. In addition, this alteration is predicted to be tolerated by in silico analysis. Based on the available evidence, the clinical significance of this variant remains unclear.

NM_001972.4(ELANE):c.445G>C (p.Val149Leu)

Gene: ELANE (elastase, neutrophil expressed; plus strand). Cytogenetic location: 19p13.3.
Variant type: single nucleotide variant.
Coding change: c.445G>C on transcript NM_001972.4 (MANE Select); coding-DNA position 445, G replaced by C.
Protein change: p.Val149Leu; replaces valine 149 with leucine.
Molecular consequence: missense variant.
Genome position (GRCh38, 1-based): chr19:855,642, G>C. VCF-style: chr19-855642-G-C. GRCh37 (hg19) VCF-style: chr19-855642-G-C.
Other names: short protein forms V149L.
Identifiers: ClinVar variation 3844290 (VCV003844290.1).